The following is an entry in ClinVar:

ClinVar aggregate classification (germline): Likely benign. Review status: reviewed by expert panel (3 of 4 stars). 9 submissions from 9 submitters: Likely benign (1). 8 of the submissions do not count toward it. Last evaluated 2017-06-29.

Conditions:
Hereditary breast ovarian cancer syndrome. Also called: Hereditary breast and ovarian cancer syndrome; Hereditary breast and ovarian cancer syndrome (HBOC); BRCA1- and BRCA2-Associated Hereditary Breast and Ovarian Cancer; Breast and ovarian cancer; Hereditary breast and ovarian cancer; Hereditary breast and/or ovarian cancer syndrome. Identifiers: Orphanet 145, MedGen C0677776, MeSH D061325, MONDO:0003582. Disease mechanism: loss of function.
Hereditary cancer-predisposing syndrome. Also called: Hereditary Cancer Syndrome; Hereditary neoplastic syndrome; Tumor predisposition; Neoplastic Syndromes, Hereditary. Identifiers: Orphanet 140162, MedGen C0027672, MeSH D009386, MONDO:0015356.
Breast-ovarian cancer, familial, susceptibility to, 1 (BROVCA1). Also called: OVARIAN CANCER, SUSCEPTIBILITY TO; BRCA1 Hereditary Breast and Ovarian Cancer. Identifiers: Orphanet 145, MedGen C2676676, MONDO:0011450, OMIM 604370. Disease mechanism: loss of function.
BRCA1-related disorder. Also called: BRCA1-related condition.

Allele frequency attached by ClinVar (database versions not stated): gnomAD exomes below 0.00001; gnomAD 0.00001; TOPMed 0.00005.
gnomAD v4.1: 7 of 1,614,034 alleles (0.00043%); highest among the groups gnomAD compares: Admixed American, 0.0067%; no homozygotes.

Submissions (9):

Evidence-based Network for the Interpretation of Germline Mutant Alleles (ENIGMA)
Classification: Likely benign for Breast-ovarian cancer, familial, susceptibility to, 1. Last evaluated: 2017-06-29. Review status: reviewed by expert panel. Criteria: ENIGMA BRCA1/2 Classification Criteria (2017-06-29). Collection method: curation. Allele origin: germline.
Comment: Synonymous substitution variant, with low bioinformatic likelihood to result in a splicing aberration (Splicing prior probability 0.02).

Labcorp Genetics (formerly Invitae), Labcorp
Classification: Likely benign for Hereditary breast ovarian cancer syndrome. Last evaluated: 2025-10-23. Review status: criteria provided, single submitter. Criteria: Invitae Variant Classification Sherloc (09022015). Collection method: clinical testing. Allele origin: germline. Not counted in ClinVar's aggregate classification.

Women's Health and Genetics/Laboratory Corporation of America, LabCorp
Classification: Likely benign. Last evaluated: 2020-10-09. Review status: criteria provided, single submitter. Criteria: LabCorp Variant Classification Summary - May 2015. Collection method: clinical testing. Allele origin: germline. Not counted in ClinVar's aggregate classification.

Quest Diagnostics Nichols Institute San Juan Capistrano
Classification: Likely benign. Last evaluated: 2017-11-22. Review status: criteria provided, single submitter. Criteria: Quest Diagnostics criteria. Collection method: clinical testing. Allele origin: germline. Not counted in ClinVar's aggregate classification.

Color Diagnostics, LLC DBA Color Health
Classification: Likely benign for Hereditary cancer-predisposing syndrome. Last evaluated: 2017-09-16. Review status: criteria provided, single submitter. Criteria: ACMG Guidelines, 2015. Collection method: clinical testing. Allele origin: germline. Not counted in ClinVar's aggregate classification.

GeneDx
Classification: Likely benign. Last evaluated: 2017-08-07. Review status: criteria provided, single submitter. Criteria: GeneDx Variant Classification (06012015). Collection method: clinical testing. Allele origin: germline. Affected: yes. Not counted in ClinVar's aggregate classification.
Comment: This variant is considered likely benign or benign based on one or more of the following criteria: it is a conservative change, it occurs at a poorly conserved position in the protein, it is predicted to be benign by multiple in silico algorithms, and/or has population frequency not consistent with disease.

Eurofins Ntd Llc (ga)
Classification: Uncertain significance. Last evaluated: 2015-03-26. Review status: criteria provided, single submitter. Criteria: EGL Classification Definitions 2015. Collection method: clinical testing. Allele origin: germline. Observed: 2 variant alleles, 2 heterozygotes. Not counted in ClinVar's aggregate classification.

Ambry Genetics
Classification: Likely benign for Hereditary cancer-predisposing syndrome. Last evaluated: 2015-03-02. Review status: criteria provided, single submitter. Criteria: Ambry Variant Classification Scheme 2023. Collection method: clinical testing. Allele origin: germline. Not counted in ClinVar's aggregate classification.

PreventionGenetics, part of Exact Sciences
Classification: Likely benign for BRCA1-related condition. Last evaluated: 2019-10-18. Review status: no assertion criteria provided. Collection method: clinical testing. Allele origin: germline. Not counted in ClinVar's aggregate classification.
Comment: This variant is classified as likely benign based on ACMG/AMP sequence variant interpretation guidelines (Richards et al. 2015 PMID: 25741868, with internal and published modifications).

Literature cited by the submitters: PubMed 16267036 (cited by Women's Health and Genetics/Laboratory Corporation of America, LabCorp).

NM_007294.4(BRCA1):c.4209C>T (p.Asn1403=)

Gene: BRCA1 (BRCA1 DNA repair associated; minus strand). Cytogenetic location: 17q21.31.
Variant type: single nucleotide variant.
Coding change: c.4209C>T on transcript NM_007294.4 (MANE Select); coding-DNA position 4209, C replaced by T.
Protein change: p.Asn1403=; no amino-acid change (asparagine 1403 retained).
Molecular consequence: synonymous variant.
Genome position (GRCh38, 1-based): chr17:43,082,552, G>A on the plus strand (C>T on the coding strand, the complement: BRCA1 is on the minus strand). VCF-style: chr17-43082552-G-A. GRCh37 (hg19) VCF-style: chr17-41234569-G-A.
Other names: c.777C>T, p.Asn259= (NM_001408440.1, NM_001408425.1, NM_001408426.1 and 8 more transcripts); c.774C>T, p.Asn258= (NM_001408441.1, NM_001408442.1, NM_001408443.1 and 10 more transcripts); c.765C>T, p.Asn255= (NM_001408451.1); c.759C>T, p.Asn253= (NM_001408452.1, NM_001408453.1, NM_001408454.1 and 8 more transcripts); c.756C>T, p.Asn252= (NM_001408462.1, NM_001408463.1, NM_001408464.1 and 5 more transcripts); c.753C>T, p.Asn251= (NM_001408470.1); c.897C>T, p.Asn299= (NM_001408472.1, NM_001408473.1, NM_001407972.1 and 18 more transcripts); c.699C>T, p.Asn233= (NM_001408474.1, NM_001408476.1); and 51 more.
Identifiers: ClinVar variation 184015 (VCV000184015.30), dbSNP rs786201224, ClinGen allele CA002709.
Genomic context (GRCh38, chr17:43,082,552, plus strand): 5'-GCTCCCATGCTGTTCTAACACAGCTTCTAGTTCAGCCATTTCCTGCTGGAGCTTTATCAG[G>A]TTATGTTGCATGGTATCCCTCTGCTTCAAAAACGATAAATGGCACCAAGAAAATGAAATA-3'
Protein context (NP_009225.1, residues 1393-1413): TTQQRDTMQH[Asn1403=]LIKLQQEMAE